The following is an entry in ClinVar:

NM_006445.4(PRPF8):c.103C>A (p.Arg35=)

Gene: PRPF8 (pre-mRNA processing factor 8; minus strand). Cytogenetic location: 17p13.3.
Variant type: single nucleotide variant.
Coding change: c.103C>A on transcript NM_006445.4 (MANE Select); coding-DNA position 103, C replaced by A.
Protein change: p.Arg35=; no amino-acid change (arginine 35 retained).
Molecular consequence: synonymous variant.
Genome position (GRCh38, 1-based): chr17:1,683,699, G>T on the plus strand (C>A on the coding strand, the complement: PRPF8 is on the minus strand). VCF-style: chr17-1683699-G-T. GRCh37 (hg19) VCF-style: chr17-1586993-G-T.
Other names: c.103C>A (NM_006445.3).
Identifiers: ClinVar variation 1011432 (VCV001011432.6), dbSNP rs144810783, ClinGen allele CA8272709.
Genomic context (GRCh38, chr17:1,683,699, plus strand): 5'-CCACAAACCCAAACTTCCGCTTTTCTGCATAGCGCTTGGCCTGCAATTGCTGCCATTTTC[G>T]AGCTGGAAAGGCACCTCAGTTTAAAGGCCTGCACACCCTCCCCCTAATCCTCTTCACCTC-3'
Protein context (NP_006436.3, residues 25-45): MSEEKLQEKA[Arg35=]KWQQLQAKRY

ClinVar aggregate classification (germline): Conflicting classifications of pathogenicity. Review status: criteria provided, conflicting classifications (1 of 4 stars). 3 submissions from 3 submitters: Uncertain significance (1); Likely benign (2). Last evaluated 2025-03-31.

Conditions:
PRPF8-related disorder. Also called: PRPF8-related condition.

Allele frequency attached by ClinVar (database versions not stated): ExAC 0.00002; gnomAD exomes 0.00002; gnomAD 0.00004; TOPMed 0.00006; ESP Exome Variant Server 0.00008.
gnomAD v4.1: 17 of 1,613,566 alleles (0.0011%); highest among the groups gnomAD compares: African/African-American, 0.013%; no homozygotes.

Submissions (3):

PreventionGenetics, part of Exact Sciences
Classification: Likely benign for PRPF8-related condition. Last evaluated: 2025-03-31. Review status: criteria provided, single submitter. Criteria: ACMG Guidelines, 2015. Collection method: clinical testing. Allele origin: germline.
Comment: This variant is classified as likely benign based on ACMG/AMP sequence variant interpretation guidelines (Richards et al. 2015 PMID: 25741868, with internal and published modifications).

Labcorp Genetics (formerly Invitae), Labcorp
Classification: Uncertain significance. Last evaluated: 2024-12-02. Review status: criteria provided, single submitter. Criteria: Invitae Variant Classification Sherloc (09022015). Collection method: clinical testing. Allele origin: germline.
Comment: This sequence change affects codon 35 of the PRPF8 mRNA. It is a 'silent' change, meaning that it does not change the encoded amino acid sequence of the PRPF8 protein. This variant is present in population databases (rs144810783, gnomAD 0.01%). This variant has not been reported in the literature in individuals affected with PRPF8-related conditions. ClinVar contains an entry for this variant (Variation ID: 1011432). Algorithms developed to predict the effect of sequence changes on RNA splicing suggest that this variant may create or strengthen a splice site. In summary, the available evidence is currently insufficient to determine the role of this variant in disease. Therefore, it has been classified as a Variant of Uncertain Significance.

Blueprint Genetics
Classification: Likely benign. Last evaluated: 2022-09-06. Review status: criteria provided, single submitter. Criteria: ACMG Guidelines, 2015. Collection method: clinical testing. Allele origin: germline.